The following is an entry in ClinVar:

ClinVar aggregate classification (germline): Likely pathogenic (1 of 4 stars; one submission).

Conditions:
Intellectual developmental disorder, X-linked, syndromic, Raymond type. Also called: Syndromic X-linked intellectual disability Raymond type. Identifiers: MedGen C3275406, MONDO:0010427, OMIM 300799.

Submission:

Centre for Mendelian Genomics, University Medical Centre Ljubljana
Classification: Likely pathogenic for Intellectual developmental disorder, X-linked, syndromic, Raymond type. Last evaluated: 2016-01-01. Review status: criteria provided, single submitter. Criteria: ACMG Guidelines, 2015. Collection method: clinical testing. Allele origin: unknown. Affected: yes.
Comment: This variant was classified as: Likely pathogenic. The following ACMG criteria were applied in classifying this variant: PVS1,PM2. This variant was detected in hemizygous state.

NM_016032.4(ZDHHC9):c.852dup (p.Glu285Ter)

Gene: ZDHHC9 (zDHHC palmitoyltransferase 9; minus strand). Cytogenetic location: Xq26.1.
Variant type: Duplication.
Coding change: c.852dup on transcript NM_016032.4 (MANE Select); coding-DNA position 852, one base duplicated (T; older notation c.852dupT).
Protein change: p.Glu285Ter; replaces glutamic acid 285 with a stop codon.
Molecular consequence: nonsense.
Genome position (GRCh38, 1-based): chrX:129,811,435, A duplicated on the plus strand (T on the coding strand, the reverse complement: ZDHHC9 is on the minus strand). VCF-style (leftmost placement, unchanged base first): chrX-129811434-C-CA. GRCh37 (hg19) VCF-style: chrX-128945410-C-CA.
Other names: c.852dup, p.Glu285Ter (NM_001008222.3); short protein forms E285*.
Identifiers: ClinVar variation 931980 (VCV000931980.3), dbSNP rs1927638009, ClinGen allele CA1139667781.